The following is an entry in ClinVar:

ClinVar aggregate classification (germline): Likely pathogenic. Review status: criteria provided, multiple submitters, no conflicts (2 of 4 stars). 5 submissions from 5 submitters: Likely pathogenic (4). 1 of the submissions does not count toward it. Last evaluated 2025-05-22.

Conditions:
Autosomal recessive polycystic kidney disease (ARPKD). Also called: AR polycystic kidney disease. Identifiers: Orphanet 731, Orphanet 8378, MedGen C0085548, MeSH D017044, MONDO:0009889.
Polycystic kidney disease 4 (PKD4). Also called: POLYCYSTIC KIDNEY DISEASE 4 WITH OR WITHOUT POLYCYSTIC LIVER DISEASE; POLYCYSTIC KIDNEY AND HEPATIC DISEASE 1; POLYCYSTIC KIDNEY DISEASE, INFANTILE, TYPE I; PKD3; Autosomal Recessive Polycystic Kidney Disease – PKHD1. Identifiers: MedGen C4540575, MONDO:0033004, OMIM 263200.

Allele frequency attached by ClinVar (database versions not stated): TOPMed below 0.00001; gnomAD 0.00001.
gnomAD v4.1: 5 of 1,613,676 alleles (0.00031%); highest among the groups gnomAD compares: Non-Finnish European, 0.00042%; no homozygotes.

Submissions (5):

Women's Health and Genetics/Laboratory Corporation of America, LabCorp
Classification: Likely pathogenic for Autosomal recessive polycystic kidney disease. Last evaluated: 2025-05-22. Review status: criteria provided, single submitter. Criteria: LabCorp Variant Classification Summary - May 2015. Collection method: clinical testing. Allele origin: germline.
Comment: Variant summary: PKHD1 c.11284C>A (p.Pro3762Thr) results in a non-conservative amino acid change in the encoded protein sequence. Algorithms developed to predict the effect of missense changes on protein structure and function all suggest that this variant is likely to be disruptive. The variant was absent in 251184 control chromosomes. c.11284C>A has been observed in multiple compound heterozygous individuals affected with Polycystic Kidney And Hepatic Disease (e.g. Losekoot_2005, Schueler_2016, Verberne_2022). These data indicate that the variant is likely to be associated with disease. To our knowledge, no experimental evidence demonstrating an impact on protein function has been reported. A different variant located at the same codon (c.11285C>T (p.Pro3762Leu)) has been classified as pathogenic/likely pathogenic in ClinVar, supporting a critical relevance of this residue to PKHD1 protein function. The following publications have been ascertained in the context of this evaluation (PMID: 16133180, 26673778, 35253369). ClinVar contains an entry for this variant (Variation ID: 558729). Based on the evidence outlined above, the variant was classified as likely pathogenic.

Natera, Inc.
Classification: Likely pathogenic for Autosomal recessive polycystic kidney disease. Last evaluated: 2024-08-21. Review status: criteria provided, single submitter. Criteria: Natera Variant Classification Schema (03/2026). Collection method: clinical testing. Allele origin: germline.
Comment: The c.11284C>A variant in PKHD1 is a missense variant predicted to cause substitution of proline to threonine at amino acid 3762. This variant is rare in the general population with a frequency below the threshold expected for the associated phenotype(s). This variant has been observed in one or more individuals affected with the associated recessive disease, as either homozygous or compound heterozygous with a second variant (PMID: 26673778, 35253369, 16133180). Computational prediction algorithms indicate this variant is likely to affect gene or protein function. Given the available evidence, this variant is classified as Likely Pathogenic.

Baylor Genetics
Classification: Likely pathogenic for Polycystic kidney disease 4. Last evaluated: 2023-03-16. Review status: criteria provided, single submitter. Criteria: ACMG Guidelines, 2015. Collection method: clinical testing. Allele origin: unknown.

Labcorp Genetics (formerly Invitae), Labcorp
Classification: Likely pathogenic for Autosomal recessive polycystic kidney disease. Last evaluated: 2023-02-24. Review status: criteria provided, single submitter. Criteria: Invitae Variant Classification Sherloc (09022015). Collection method: clinical testing. Allele origin: germline.
Comment: This variant is not present in population databases (gnomAD no frequency). In summary, the currently available evidence indicates that the variant is pathogenic, but additional data are needed to prove that conclusively. Therefore, this variant has been classified as Likely Pathogenic. Advanced modeling of protein sequence and biophysical properties (such as structural, functional, and spatial information, amino acid conservation, physicochemical variation, residue mobility, and thermodynamic stability) performed at Invitae indicates that this missense variant is expected to disrupt PKHD1 protein function. ClinVar contains an entry for this variant (Variation ID: 558729). This missense change has been observed in individuals with polycystic kidney disease (PMID: 16133180, 26673778). This sequence change replaces proline, which is neutral and non-polar, with threonine, which is neutral and polar, at codon 3762 of the PKHD1 protein (p.Pro3762Thr).

Counsyl
Classification: Uncertain significance for Polycystic kidney disease 4. Last evaluated: 2018-06-07. Review status: no assertion criteria provided. Collection method: clinical testing. Allele origin: unknown. Not counted in ClinVar's aggregate classification.

Literature cited by the submitters: PubMed 16133180 (cited by 4 submitters); PubMed 26673778 (cited by 4 submitters); PubMed 35253369 (cited by Women's Health and Genetics/Laboratory Corporation of America, LabCorp and Natera, Inc.).

NM_138694.4(PKHD1):c.11284C>A (p.Pro3762Thr)

Gene: PKHD1 (PKHD1 ciliary IPT domain containing fibrocystin/polyductin; minus strand). Cytogenetic location: 6p12.3.
Variant type: single nucleotide variant.
Coding change: c.11284C>A on transcript NM_138694.4 (MANE Select); coding-DNA position 11284, C replaced by A.
Protein change: p.Pro3762Thr; replaces proline 3762 with threonine.
Molecular consequence: missense variant.
Genome position (GRCh38, 1-based): chr6:51,649,111, G>T on the plus strand (C>A on the coding strand, the complement: PKHD1 is on the minus strand). VCF-style: chr6-51649111-G-T. GRCh37 (hg19) VCF-style: chr6-51513909-G-T.
Other names: short protein forms P3762T.
Identifiers: ClinVar variation 558729 (VCV000558729.11), dbSNP rs1229349983, ClinGen allele CA364425853.